The following is an entry in ClinVar:

NM_015335.5(MED13L):c.1308C>T (p.Val436=)

Gene: MED13L (mediator complex subunit 13L; minus strand). Cytogenetic location: 12q24.21.
Variant type: single nucleotide variant.
Coding change: c.1308C>T on transcript NM_015335.5 (MANE Select); coding-DNA position 1308, C replaced by T.
Protein change: p.Val436=; no amino-acid change (valine 436 retained).
Molecular consequence: synonymous variant.
Genome position (GRCh38, 1-based): chr12:116,009,105, G>A on the plus strand (C>T on the coding strand, the complement: MED13L is on the minus strand). VCF-style: chr12-116009105-G-A. GRCh37 (hg19) VCF-style: chr12-116446910-G-A.
Identifiers: ClinVar variation 533131 (VCV000533131.14), dbSNP rs149631695, ClinGen allele CA6811428.

ClinVar aggregate classification (germline): Likely benign. Review status: criteria provided, single submitter (1 of 4 stars). 2 submissions from 2 submitters: Likely benign (1). 1 of the submissions does not count toward it. Last evaluated 2025-09-15.

Conditions:
Dextro-looped transposition of the great arteries. Also called: Dextrotransposition of the great arteries. Identifiers: Orphanet 860, MedGen C3531771, MONDO:0019443, OMIM 608808, HP:0031348.
MED13L-related disorder. Also called: MED13L-related condition.

Allele frequency attached by ClinVar (database versions not stated): ExAC 0.00004; gnomAD 0.00007 and 0.00008; TOPMed 0.00009; ESP Exome Variant Server 0.00015.
gnomAD v4.1: 131 of 1,613,830 alleles (0.0081%); highest among the groups gnomAD compares: Non-Finnish European, 0.01%; no homozygotes.

Submissions (2):

Labcorp Genetics (formerly Invitae), Labcorp
Classification: Likely benign for Dextro-looped transposition of the great arteries. Last evaluated: 2025-09-15. Review status: criteria provided, single submitter. Criteria: Invitae Variant Classification Sherloc (09022015). Collection method: clinical testing. Allele origin: germline.

PreventionGenetics, part of Exact Sciences
Classification: Likely benign for MED13L-related condition. Last evaluated: 2019-02-22. Review status: no assertion criteria provided. Collection method: clinical testing. Allele origin: germline. Not counted in ClinVar's aggregate classification.
Comment: This variant is classified as likely benign based on ACMG/AMP sequence variant interpretation guidelines (Richards et al. 2015 PMID: 25741868, with internal and published modifications).